The following is an entry in ClinVar:

ClinVar aggregate classification (germline): Uncertain significance. Review status: criteria provided, multiple submitters, no conflicts (2 of 4 stars). 2 submissions from 2 submitters: Uncertain significance (2). Last evaluated 2025-06-07.

Conditions:
Tuberous sclerosis syndrome (TSC). Also called: Tuberous Sclerosis Complex; Tuberous sclerosis. Identifiers: Orphanet 805, MedGen C0041341, MONDO:0001734.
Hereditary cancer-predisposing syndrome. Also called: Hereditary neoplastic syndrome; Neoplastic Syndromes, Hereditary; Tumor predisposition; Hereditary Cancer Syndrome. Identifiers: Orphanet 140162, MedGen C0027672, MeSH D009386, MONDO:0015356.

Allele frequency attached by ClinVar (database versions not stated): gnomAD exomes 0.00001.
gnomAD v4.1: 10 of 1,613,064 alleles (0.00062%); highest among the groups gnomAD compares: Non-Finnish European, 0.00085%; no homozygotes.

Submissions (2):

Ambry Genetics
Classification: Uncertain significance for Hereditary cancer-predisposing syndrome. Last evaluated: 2025-06-07. Review status: criteria provided, single submitter. Criteria: Ambry Variant Classification Scheme 2023. Collection method: clinical testing. Allele origin: germline.
Comment: The p.K1058E variant (also known as c.3172A>G), located in coding exon 27 of the TSC2 gene, results from an A to G substitution at nucleotide position 3172. The lysine at codon 1058 is replaced by glutamic acid, an amino acid with similar properties. This amino acid position is conserved. In addition, this alteration is predicted to be deleterious by in silico analysis. Based on the available evidence, the clinical significance of this variant remains unclear.

All of Us Research Program, National Institutes of Health
Classification: Uncertain significance for Tuberous sclerosis syndrome. Last evaluated: 2023-10-06. Review status: criteria provided, single submitter. Criteria: ACMG Guidelines, 2015. Collection method: clinical testing. Allele origin: germline. Inheritance: Autosomal dominant inheritance. Observed: 1 variant allele, 1 heterozygote.
Comment: This missense variant replaces lysine with glutamic acid at codon 1058 of the TSC2 protein. Computational prediction suggests that this variant may have deleterious impact on protein structure and function (internally defined REVEL score threshold >= 0.7, PMID: 27666373). To our knowledge, functional studies have not been reported for this variant. This variant has not been reported in individuals affected with TSC2-related disorders in the literature. This variant has not been identified in the general population by the Genome Aggregation Database (gnomAD). The available evidence is insufficient to determine the role of this variant in disease conclusively. Therefore, this variant is classified as a Variant of Uncertain Significance.

This study involves interpretation of variants in research participants for the purpose of population health screening. Participant phenotype was not available at the time of variant classification. Additional details can be found in publication PMID: 35346344, PMCID: PMC8962531

NM_000548.5(TSC2):c.3172A>G (p.Lys1058Glu)

Gene: TSC2 (TSC complex subunit 2; plus strand). Cytogenetic location: 16p13.3.
Variant type: single nucleotide variant.
Coding change: c.3172A>G on transcript NM_000548.5 (MANE Select); coding-DNA position 3172, A replaced by G.
Protein change: p.Lys1058Glu; replaces lysine 1058 with glutamic acid.
Molecular consequence: missense variant. On other transcripts: non-coding transcript variant (5).
Genome position (GRCh38, 1-based): chr16:2,079,316, A>G. VCF-style: chr16-2079316-A-G. GRCh37 (hg19) VCF-style: chr16-2129317-A-G.
Other names: c.3073A>G, p.Lys1025Glu (NM_001318832.2); c.3043A>G, p.Lys1015Glu (NM_001363528.2, NM_001370405.1, NM_021055.3); c.3040A>G, p.Lys1014Glu (NM_001370404.1, NM_001406665.1, NM_001077183.3); c.3169A>G, p.Lys1057Glu (NM_001406663.1, NM_001406664.1); c.3133A>G, p.Lys1045Glu (NM_001406667.1); c.3130A>G, p.Lys1044Glu (NM_001406668.1); c.2581A>G, p.Lys861Glu (NM_001406681.1); c.2572A>G, p.Lys858Glu (NM_001406683.1, NM_001406682.1, NM_001406680.1); and 18 more; short protein forms K1008E, K1009E, K1010E, K1011E, K1014E, K1015E, K1021E, K1025E.
Identifiers: ClinVar variation 3073716 (VCV003073716.2), dbSNP rs2089826724, ClinGen allele CA394285456.